The following is an entry in ClinVar:

ClinVar aggregate classification (germline): Likely benign (1 of 4 stars; one submission).

Submission:

GeneDx
Classification: Likely benign. Last evaluated: 2017-08-09. Review status: criteria provided, single submitter. Criteria: GeneDx Variant Classification (06012015). Collection method: clinical testing. Allele origin: germline. Affected: yes.
Comment: This variant is considered likely benign or benign based on one or more of the following criteria: it is a conservative change, it occurs at a poorly conserved position in the protein, it is predicted to be benign by multiple in silico algorithms, and/or has population frequency not consistent with disease.

NM_001164508.2(NEB):c.22480-17T>G

Genes: RIF1 (replication timing regulatory factor 1; plus strand), NEB (nebulin; minus strand). Cytogenetic location: 2q23.3.
Variant type: single nucleotide variant.
Coding change: c.22480-17T>G on transcript NM_001164508.2 (MANE Select); 17 bases into the intron before coding-DNA position 22480, T replaced by G.
Molecular consequence: intron variant.
Genome position (GRCh38, 1-based): chr2:151,519,785, A>C on the plus strand (T>G on the coding strand, the complement: NEB is on the minus strand). VCF-style: chr2-151519785-A-C. GRCh37 (hg19) VCF-style: chr2-152376299-A-C.
Other names: c.17377-17T>G (NM_004543.5); c.22480-17T>G (NM_001164507.2); c.22585-17T>G (NM_001271208.2).
Identifiers: ClinVar variation 511389 (VCV000511389.1), dbSNP rs1553632257, ClinGen allele CA658795889.